The following is an entry in ClinVar:

NM_000092.5(COL4A4):c.2231C>A (p.Pro744Gln)

Gene: COL4A4 (collagen type IV alpha 4 chain; minus strand). Cytogenetic location: 2q36.3.
Variant type: single nucleotide variant.
Coding change: c.2231C>A on transcript NM_000092.5 (MANE Select); coding-DNA position 2231, C replaced by A.
Protein change: p.Pro744Gln; replaces proline 744 with glutamine.
Molecular consequence: missense variant.
Genome position (GRCh38, 1-based): chr2:227,059,557, G>T on the plus strand (C>A on the coding strand, the complement: COL4A4 is on the minus strand). VCF-style: chr2-227059557-G-T. GRCh37 (hg19) VCF-style: chr2-227924273-G-T.
Other names: short protein forms P744Q.
Identifiers: ClinVar variation 3694116 (VCV003694116.2).

ClinVar aggregate classification (germline): Uncertain significance (1 of 4 stars; one submission).

Submission:

Labcorp Genetics (formerly Invitae), Labcorp
Classification: Uncertain significance. Last evaluated: 2024-06-11. Review status: criteria provided, single submitter. Criteria: Invitae Variant Classification Sherloc (09022015). Collection method: clinical testing. Allele origin: germline.
Comment: This sequence change replaces proline, which is neutral and non-polar, with glutamine, which is neutral and polar, at codon 744 of the COL4A4 protein (p.Pro744Gln). This variant is not present in population databases (gnomAD no frequency). This variant has not been reported in the literature in individuals affected with COL4A4-related conditions. Advanced modeling of protein sequence and biophysical properties (such as structural, functional, and spatial information, amino acid conservation, physicochemical variation, residue mobility, and thermodynamic stability) performed at Invitae indicates that this missense variant is not expected to disrupt COL4A4 protein function with a negative predictive value of 95%. In summary, the available evidence is currently insufficient to determine the role of this variant in disease. Therefore, it has been classified as a Variant of Uncertain Significance.